The following is an entry in ClinVar:

ClinVar aggregate classification (germline): Uncertain significance (1 of 4 stars; one submission).

Conditions:
Legius syndrome. Identifiers: Orphanet 137605, MedGen C1969623, MONDO:0012669, OMIM 611431. Disease mechanism: loss of function.

gnomAD v4.1: 2 of 1,573,570 alleles (0.00013%); highest among the groups gnomAD compares: South Asian, 0.0023%; no homozygotes.

Submission:

Labcorp Genetics (formerly Invitae), Labcorp
Classification: Uncertain significance for Legius syndrome. Last evaluated: 2024-10-19. Review status: criteria provided, single submitter. Criteria: Invitae Variant Classification Sherloc (09022015). Collection method: clinical testing. Allele origin: germline.
Comment: This sequence change falls in intron 1 of the SPRED1 gene. It does not directly change the encoded amino acid sequence of the SPRED1 protein. It affects a nucleotide within the consensus splice site. This variant is not present in population databases (gnomAD no frequency). This variant has not been reported in the literature in individuals affected with SPRED1-related conditions. Variants that disrupt the consensus splice site are a relatively common cause of aberrant splicing (PMID: 17576681, 9536098). Algorithms developed to predict the effect of sequence changes on RNA splicing suggest that this variant is not likely to affect RNA splicing. In summary, the available evidence is currently insufficient to determine the role of this variant in disease. Therefore, it has been classified as a Variant of Uncertain Significance.

Literature cited by the submitters: PubMed 17576681; PubMed 9536098.

NM_152594.3(SPRED1):c.32+6C>G

Gene: SPRED1 (sprouty related EVH1 domain containing 1; plus strand). Cytogenetic location: 15q14.
Variant type: single nucleotide variant.
Coding change: c.32+6C>G on transcript NM_152594.3 (MANE Select); 6 bases into the intron after coding-DNA position 32, C replaced by G.
Molecular consequence: intron variant.
Genome position (GRCh38, 1-based): chr15:38,253,223, C>G. VCF-style: chr15-38253223-C-G. GRCh37 (hg19) VCF-style: chr15-38545424-C-G.
Identifiers: ClinVar variation 3718067 (VCV003718067.2).